The following is an entry in ClinVar:

NM_018979.4(WNK1):c.6631G>C (p.Ala2211Pro)

Gene: WNK1 (WNK lysine deficient protein kinase 1; plus strand). Cytogenetic location: 12p13.33.
Variant type: single nucleotide variant.
Coding change: c.6631G>C on transcript NM_018979.4 (MANE Select); coding-DNA position 6631, G replaced by C.
Protein change: p.Ala2211Pro; replaces alanine 2211 with proline.
Molecular consequence: missense variant.
Genome position (GRCh38, 1-based): chr12:900,658, G>C. VCF-style: chr12-900658-G-C. GRCh37 (hg19) VCF-style: chr12-1009824-G-C.
Other names: c.7411G>C, p.Ala2471Pro (NM_001184985.2); c.5887G>C, p.Ala1963Pro (NM_014823.3); c.7387G>C, p.Ala2463Pro (NM_213655.5); short protein forms A2463P, A2471P, A1963P, A2211P.
Identifiers: ClinVar variation 1425764 (VCV001425764.9), dbSNP rs1955178531, ClinGen allele CA383338352.

ClinVar aggregate classification (germline): Uncertain significance. Review status: criteria provided, multiple submitters, no conflicts (2 of 4 stars). 2 submissions from 2 submitters: Uncertain significance (2). Last evaluated 2022-01-18.

Conditions:
Neuropathy, hereditary sensory and autonomic, type 2A (HSAN2A). Also called: ACROOSTEOLYSIS, GIACCAI TYPE; ACROOSTEOLYSIS, NEUROGENIC; MORVAN DISEASE; NEUROPATHY, CONGENITAL SENSORY; NEUROPATHY, HEREDITARY SENSORY RADICULAR, AUTOSOMAL RECESSIVE; NEUROPATHY, HEREDITARY SENSORY, TYPE IIA. Identifiers: Orphanet 970, MedGen C2752089, MONDO:0024309, OMIM 201300.
Pseudohypoaldosteronism type 2C (PHA2C). Also called: Pseudohypoaldosteronism Type IIC. Identifiers: Orphanet 757, Orphanet 88940, MedGen C1840391, MONDO:0013778, OMIM 614492.

Allele frequency attached by ClinVar (database versions not stated): TOPMed below 0.00001.

Submissions (2):

Fulgent Genetics
Classification: Uncertain significance for Neuropathy, hereditary sensory and autonomic, type 2A; Pseudohypoaldosteronism type 2C. Last evaluated: 2022-01-18. Review status: criteria provided, single submitter. Criteria: ACMG Guidelines, 2015. Collection method: clinical testing. Allele origin: unknown.

Labcorp Genetics (formerly Invitae), Labcorp
Classification: Uncertain significance for Neuropathy, hereditary sensory and autonomic, type 2A; Pseudohypoaldosteronism type 2C. Last evaluated: 2020-11-25. Review status: criteria provided, single submitter. Criteria: Invitae Variant Classification Sherloc (09022015). Collection method: clinical testing. Allele origin: germline.
Comment: This sequence change replaces alanine with proline at codon 2463 of the WNK1 protein (p.Ala2463Pro). The alanine residue is highly conserved and there is a small physicochemical difference between alanine and proline. This variant is not present in population databases (ExAC no frequency). This variant has not been reported in the literature in individuals with WNK1-related conditions. Advanced modeling of protein sequence and biophysical properties (such as structural, functional, and spatial information, amino acid conservation, physicochemical variation, residue mobility, and thermodynamic stability) performed at Invitae indicates that this missense variant is not expected to disrupt WNK1 protein function. In summary, the available evidence is currently insufficient to determine the role of this variant in disease. Therefore, it has been classified as a Variant of Uncertain Significance.